The following is an entry in ClinVar:

ClinVar aggregate classification (germline): Uncertain significance. Review status: criteria provided, multiple submitters, no conflicts (2 of 4 stars). 3 submissions from 3 submitters: Uncertain significance (2). 1 of the submissions does not count toward it. Last evaluated 2025-08-05.

Conditions:
CACNA1B-related disorder. Also called: CACNA1B-related condition.

Allele frequency attached by ClinVar (database versions not stated): gnomAD exomes 0.00001; ExAC 0.00007; gnomAD 0.00017; TOPMed 0.00044; 1000 Genomes Project 30x 0.00078; 1000 Genomes Project 0.00080.
gnomAD v4.1: 36 of 1,607,750 alleles (0.0022%); highest among the groups gnomAD compares: Admixed American, 0.049%; no homozygotes.

Submissions (3):

Ambry Genetics
Classification: Uncertain significance. Last evaluated: 2025-08-05. Review status: criteria provided, single submitter. Criteria: Ambry Variant Classification Scheme 2023. Collection method: clinical testing. Allele origin: germline.

Labcorp Genetics (formerly Invitae), Labcorp
Classification: Uncertain significance. Last evaluated: 2022-06-16. Review status: criteria provided, single submitter. Criteria: Invitae Variant Classification Sherloc (09022015). Collection method: clinical testing. Allele origin: germline.
Comment: This sequence change replaces glutamine, which is neutral and polar, with histidine, which is basic and polar, at codon 1049 of the CACNA1B protein (p.Gln1049His). This variant is present in population databases (rs534889794, gnomAD 0.009%). This variant has not been reported in the literature in individuals affected with CACNA1B-related conditions. Advanced modeling of protein sequence and biophysical properties (such as structural, functional, and spatial information, amino acid conservation, physicochemical variation, residue mobility, and thermodynamic stability) performed at Invitae indicates that this missense variant is not expected to disrupt CACNA1B protein function. In summary, the available evidence is currently insufficient to determine the role of this variant in disease. Therefore, it has been classified as a Variant of Uncertain Significance.

PreventionGenetics, part of Exact Sciences
Classification: Uncertain significance for CACNA1B-related condition. Last evaluated: 2024-05-29. Review status: no assertion criteria provided. Collection method: clinical testing. Allele origin: germline. Not counted in ClinVar's aggregate classification.
Comment: The CACNA1B c.3147G>T variant is predicted to result in the amino acid substitution p.Gln1049His. To our knowledge, this variant has not been reported in the literature. This variant is reported in 0.0087% of alleles in individuals of Latino descent in gnomAD. At this time, the clinical significance of this variant is uncertain due to the absence of conclusive functional and genetic evidence.

NM_000718.4(CACNA1B):c.3147G>T (p.Gln1049His)

Gene: CACNA1B (calcium voltage-gated channel subunit alpha1 B; plus strand). Cytogenetic location: 9q34.3.
Variant type: single nucleotide variant.
Coding change: c.3147G>T on transcript NM_000718.4 (MANE Select); coding-DNA position 3147, G replaced by T.
Protein change: p.Gln1049His; replaces glutamine 1049 with histidine.
Molecular consequence: missense variant.
Genome position (GRCh38, 1-based): chr9:138,025,033, G>T. VCF-style: chr9-138025033-G-T. GRCh37 (hg19) VCF-style: chr9-140919485-G-T.
Other names: c.3147G>T (NM_000718.3); c.3147G>T, p.Gln1049His (NM_001243812.2); short protein forms Q1049H.
Identifiers: ClinVar variation 2042176 (VCV002042176.3), dbSNP rs534889794, ClinGen allele CA5376538.
Genomic context (GRCh38, chr9:138,025,033, plus strand): 5'-GGAGACCAGTGGGACTGTGACTGTGGGTCCCATGCACACACTGCCCAGCACCTGTCTCCA[G>T]AAGGTGGAGGAACAGCCAGAGGATGCAGACAATCAGCGGAACGTCACTCGCATGGGCAGT-3'
Protein context (NP_000709.1, residues 1039-1059): PMHTLPSTCL[Gln1049His]KVEEQPEDAD